The following is an entry in ClinVar:

ClinVar aggregate classification (germline): Benign (1 of 4 stars; one submission).

Submission:

CeGaT Center for Human Genetics Tuebingen
Classification: Benign. Last evaluated: 2022-08-01. Review status: criteria provided, single submitter. Criteria: CeGaT Center For Human Genetics Tuebingen Variant Classification Criteria Version 2. Collection method: clinical testing. Allele origin: germline. Affected: yes. Observed: 1 variant allele.
Comment: FGF14: BS1, BS2

NM_004115.4(FGF14):c.*919_*922dup

Gene: FGF14 (fibroblast growth factor 14; minus strand). Cytogenetic location: 13q33.1.
Variant type: Duplication.
Coding change: c.*919_*922dup on transcript NM_004115.4 (MANE Select); 919 bases downstream of the stop codon through 922 bases downstream of the stop codon, 4 bases duplicated (GATT; older notation c.*919_*922dupGATT).
Molecular consequence: 3 prime UTR variant.
Genome position (GRCh38, 1-based): chr13:101,721,909-101,721,912, AATC duplicated on the plus strand (GATT on the coding strand, the reverse complement: FGF14 is on the minus strand); duplicating any 4 consecutive bases within chr13:101,721,909-101,721,913 gives the same sequence; the c. name uses the placement nearest the transcript's 3' end. VCF-style (leftmost placement, unchanged base first): chr13-101721908-T-TAATC. GRCh37 (hg19) VCF-style: chr13-102374258-T-TAATC.
Other names: c.*919_*922dup (NM_001321931.1, NM_001321932.1, NM_001321933.1 and 17 more transcripts).
Identifiers: ClinVar variation 310880 (VCV000310880.29), dbSNP rs768342824, ClinGen allele CA10643635.
Genomic context (GRCh38, chr13:101,721,908, plus strand): 5'-ACTGATTTTCCTTTTTTTTTTTTTCCAAATAATGAGAATTAATAGATGAAAAATGAACCT[T>TAATC]AATCAGGCCTACAAGGCCTACAGAAATCTTTGGACCCACTTTCTCAAAAACCAGTGGGTC-3'